The following is an entry in ClinVar:

ClinVar aggregate classification (germline): Likely benign. Review status: criteria provided, multiple submitters, no conflicts (2 of 4 stars). 2 submissions from 2 submitters: Likely benign (2). Last evaluated 2025-06-04.

Conditions:
Leigh syndrome (NULS). Also called: Leigh's necrotizing encephalopathy; Leigh's disease; Leigh Syndrome (mtDNA deletion); Leigh's syndrome; LEIGH SYNDROME, NUCLEAR; Leigh Disease. Identifiers: Orphanet 506, MedGen C2931891, MONDO:0009723, OMIM 256000.

Allele frequency attached by ClinVar (database versions not stated): gnomAD exomes below 0.00001.
gnomAD v4.1: 2 of 1,614,222 alleles (0.00012%); highest among the groups gnomAD compares: Non-Finnish European, 0.000085%; no homozygotes.

Submissions (2):

Mayo Clinic Laboratories, Mayo Clinic
Classification: Likely benign. Last evaluated: 2025-06-04. Review status: criteria provided, single submitter. Criteria: ACMG Guidelines, 2015. Collection method: clinical testing. Allele origin: germline. Observed: 1 variant allele.
Comment: BP4, BP7

Labcorp Genetics (formerly Invitae), Labcorp
Classification: Likely benign for Leigh syndrome. Last evaluated: 2024-01-22. Review status: criteria provided, single submitter. Criteria: Invitae Variant Classification Sherloc (09022015). Collection method: clinical testing. Allele origin: germline.

NM_003172.4(SURF1):c.738T>C (p.Ile246=)

Gene: SURF1 (SURF1 cytochrome c oxidase assembly factor; minus strand). Cytogenetic location: 9q34.2.
Variant type: single nucleotide variant.
Coding change: c.738T>C on transcript NM_003172.4 (MANE Select); coding-DNA position 738, T replaced by C.
Protein change: p.Ile246=; no amino-acid change (isoleucine 246 retained).
Molecular consequence: synonymous variant.
Genome position (GRCh38, 1-based): chr9:133,352,459, A>G on the plus strand (T>C on the coding strand, the complement: SURF1 is on the minus strand). VCF-style: chr9-133352459-A-G. GRCh37 (hg19) VCF-style: chr9-136219314-A-G.
Other names: p.Ile246=; c.411T>C, p.Ile137= (NM_001280787.1).
Identifiers: ClinVar variation 2991325 (VCV002991325.4), dbSNP rs2490615819, ClinGen allele CA2692338937.